The following is an entry in ClinVar:

NM_016532.4(INPP5K):c.925A>G (p.Ser309Gly)

Gene: INPP5K (inositol polyphosphate-5-phosphatase K; minus strand). Cytogenetic location: 17p13.3.
Variant type: single nucleotide variant.
Coding change: c.925A>G on transcript NM_016532.4 (MANE Select); coding-DNA position 925, A replaced by G.
Protein change: p.Ser309Gly; replaces serine 309 with glycine.
Molecular consequence: missense variant.
Genome position (GRCh38, 1-based): chr17:1,497,974, T>C on the plus strand (A>G on the coding strand, the complement: INPP5K is on the minus strand). VCF-style: chr17-1497974-T-C. GRCh37 (hg19) VCF-style: chr17-1401268-T-C.
Other names: c.697A>G, p.Ser233Gly (NM_001135642.2, NM_130766.3); short protein forms S233G, S309G.
Identifiers: ClinVar variation 1708252 (VCV001708252.2), dbSNP rs779061835, ClinGen allele CA8268429.

ClinVar aggregate classification (germline): Likely pathogenic (1 of 4 stars; one submission).

Conditions:
Muscular dystrophy, congenital, with cataracts and impaired intellectual development. Also called: Congenital muscular dystrophy with cataracts and intellectual disability. Identifiers: Orphanet 662184, MedGen C4479410, MONDO:0024607, OMIM 617404.

Allele frequency attached by ClinVar (database versions not stated): gnomAD exomes below 0.00001; ExAC 0.00001.
gnomAD v4.1: 2 of 1,614,082 alleles (0.00012%); highest among the groups gnomAD compares: Admixed American, 0.0017%; no homozygotes.

Submission:

Genetics Laboratory, UDIAT-Centre Diagnòstic, Hospital Universitari Parc Tauli
Classification: Likely pathogenic for Muscular dystrophy, congenital, with cataracts and impaired intellectual development. Last evaluated: 2022-10-04. Review status: criteria provided, single submitter. Criteria: Parc Tauli Hospital Assertion Criteria 2021. Collection method: clinical testing. Allele origin: unknown. Inheritance: Autosomal recessive inheritance. Affected: yes.
Comment: PM2_supporting;PM3;PP3